The following is an entry in ClinVar:

ClinVar aggregate classification (germline): Uncertain significance (1 of 4 stars; one submission).

Conditions:
Spastic paraplegia. Identifiers: MedGen C0037772, HP:0001258.

Submission:

Labcorp Genetics (formerly Invitae), Labcorp
Classification: Uncertain significance for Spastic paraplegia. Last evaluated: 2024-12-17. Review status: criteria provided, single submitter. Criteria: Invitae Variant Classification Sherloc (09022015). Collection method: clinical testing. Allele origin: germline.
Comment: This sequence change replaces glutamic acid, which is acidic and polar, with aspartic acid, which is acidic and polar, at codon 341 of the GJC2 protein (p.Glu341Asp). This variant is present in population databases (no rsID available, gnomAD 0.02%). This variant has not been reported in the literature in individuals affected with GJC2-related conditions. Invitae Evidence Modeling of protein sequence and biophysical properties (such as structural, functional, and spatial information, amino acid conservation, physicochemical variation, residue mobility, and thermodynamic stability) indicates that this missense variant is not expected to disrupt GJC2 protein function with a negative predictive value of 95%. In summary, the available evidence is currently insufficient to determine the role of this variant in disease. Therefore, it has been classified as a Variant of Uncertain Significance.

NM_020435.4(GJC2):c.1023G>C (p.Glu341Asp)

Gene: GJC2 (gap junction protein gamma 2; plus strand). Cytogenetic location: 1q42.13.
Variant type: single nucleotide variant.
Coding change: c.1023G>C on transcript NM_020435.4 (MANE Select); coding-DNA position 1023, G replaced by C.
Protein change: p.Glu341Asp; replaces glutamic acid 341 with aspartic acid.
Molecular consequence: missense variant.
Genome position (GRCh38, 1-based): chr1:228,158,781, G>C. VCF-style: chr1-228158781-G-C. GRCh37 (hg19) VCF-style: chr1-228346482-G-C.
Other names: short protein forms E341D.
Identifiers: ClinVar variation 3716464 (VCV003716464.2).